The following is an entry in ClinVar:

NM_016216.4(DBR1):c.1282G>A (p.Glu428Lys)

Gene: DBR1 (debranching RNA lariats 1; minus strand). Cytogenetic location: 3q22.3.
Variant type: single nucleotide variant.
Coding change: c.1282G>A on transcript NM_016216.4 (MANE Select); coding-DNA position 1282, G replaced by A.
Protein change: p.Glu428Lys; replaces glutamic acid 428 with lysine.
Molecular consequence: missense variant.
Genome position (GRCh38, 1-based): chr3:138,162,242, C>T on the plus strand (G>A on the coding strand, the complement: DBR1 is on the minus strand). VCF-style: chr3-138162242-C-T. GRCh37 (hg19) VCF-style: chr3-137881084-C-T.
Other names: short protein forms E428K.
Identifiers: ClinVar variation 2025381 (VCV002025381.1), dbSNP rs36061810, ClinGen allele CA354670090.

ClinVar aggregate classification (germline): Uncertain significance (1 of 4 stars; one submission).

Submission:

Labcorp Genetics (formerly Invitae), Labcorp
Classification: Uncertain significance. Last evaluated: 2022-08-20. Review status: criteria provided, single submitter. Criteria: Invitae Variant Classification Sherloc (09022015). Collection method: clinical testing. Allele origin: germline.
Comment: This sequence change replaces glutamic acid, which is acidic and polar, with lysine, which is basic and polar, at codon 428 of the DBR1 protein (p.Glu428Lys). This variant is not present in population databases (gnomAD no frequency). This variant has not been reported in the literature in individuals affected with DBR1-related conditions. Algorithms developed to predict the effect of missense changes on protein structure and function are either unavailable or do not agree on the potential impact of this missense change (SIFT: "Deleterious"; PolyPhen-2: "Probably Damaging"; Align-GVGD: "Class C0"). In summary, the available evidence is currently insufficient to determine the role of this variant in disease. Therefore, it has been classified as a Variant of Uncertain Significance.